The following is an entry in ClinVar:

NM_007294.4(BRCA1):c.5564_5566delinsAA (p.Ile1855fs)

Gene: BRCA1 (BRCA1 DNA repair associated; minus strand). Cytogenetic location: 17q21.31.
Variant type: Indel.
Coding change: c.5564_5566delinsAA on transcript NM_007294.4 (MANE Select); coding-DNA positions 5564 to 5566, TAC replaced by AA.
Protein change: p.Ile1855fs; shifts the reading frame from isoleucine 1855.
Molecular consequence: frameshift variant. On other transcripts: 3 prime UTR variant (17).
Genome position (GRCh38, 1-based): chr17:43,045,704-43,045,706, GTA replaced by TT on the plus strand (TAC replaced by AA on the coding strand, the reverse complement: BRCA1 is on the minus strand). VCF-style: chr17-43045704-GTA-TT. GRCh37 (hg19) VCF-style: chr17-41197721-GTA-TT.
Other names: c.2126_2128delinsAA, p.Ile709fs (NM_001408448.1, NM_001408450.1, NM_001408445.1 and 2 more transcripts); c.2120_2122delinsAA, p.Ile707fs (NM_001408451.1); c.2114_2116delinsAA, p.Ile705fs (NM_001408452.1, NM_001408453.1, NM_001408454.1 and 3 more transcripts); c.2111_2113delinsAA, p.Ile704fs (NM_001408458.1, NM_001408459.1, NM_001408460.1 and 7 more transcripts); c.2108_2110delinsAA, p.Ile703fs (NM_001408468.1, NM_001408469.1, NM_001408470.1); c.*78_*80delinsAA (NM_001408472.1, NM_001408473.1, NM_007299.4 and 14 more transcripts); c.2054_2056delinsAA, p.Ile685fs (NM_001408474.1); c.2051_2053delinsAA, p.Ile684fs (NM_001408475.1, NM_001408476.1); and 74 more; short protein forms I1558fs, I1559fs, I1686fs, I1701fs, I1726fs, I1727fs, I1728fs, I1742fs.
Identifiers: ClinVar variation 3362805 (VCV003362805.1).

ClinVar aggregate classification (germline): Likely pathogenic (1 of 4 stars; one submission).

Conditions:
Hereditary breast ovarian cancer syndrome. Also called: Hereditary breast and ovarian cancer; Hereditary breast and ovarian cancer syndrome (HBOC); Hereditary breast and ovarian cancer syndrome; Breast and ovarian cancer; Hereditary breast and/or ovarian cancer syndrome; BRCA1- and BRCA2-Associated Hereditary Breast and Ovarian Cancer. Identifiers: Orphanet 145, MedGen C0677776, MeSH D061325, MONDO:0003582. Disease mechanism: loss of function.

Submission:

German Consortium for Hereditary Breast and Ovarian Cancer, University Hospital Cologne
Classification: Likely pathogenic for Hereditary breast ovarian cancer syndrome. Last evaluated: 2024-08-13. Review status: criteria provided, single submitter. Criteria: ClinGen BRCA1 V1.1.0. Collection method: curation. Allele origin: germline.
Comment: According to the ClinGen ENIGMA BRCA1 v1.1.0 criteria we chose these criteria: PS3 (strong pathogenic): PMID: 37718511 LOF for 16/17 BRCA1 extended incorrect terminus variants (EITs), PM2 (supporting pathogenic): not in gnomAD, PP1 (medium pathogenic): große Familie aus Regensburg, Bayes Score 14,08, 2 weitere Familien mit je 2 betroffenen Schwestern (BRCa+Varainte),